The following is an entry in ClinVar:

ClinVar aggregate classification (germline): Uncertain significance (0 of 4 stars; one submission).

Conditions:
Prostate cancer. Also called: Malignant tumor of prostate. Identifiers: Orphanet 1331, MedGen C0376358, MONDO:0008315, HP:0012125.

Submission:

Science for Life laboratory,  Karolinska Institutet
Classification: Uncertain significance for Malignant tumor of prostate. Review status: no assertion criteria provided. Collection method: not provided. Allele origin: somatic.
Comment: TumorID:SWE-12B
ClinVar note: Converted during submission from Unknown to Uncertain significance.

NM_001346311.2(ATG13):c.1576-1G>C

Gene: ATG13 (autophagy related 13; plus strand). Cytogenetic location: 11p11.2.
Variant type: single nucleotide variant.
Coding change: c.1576-1G>C on transcript NM_001346311.2 (MANE Select); the canonical splice acceptor site of the intron before coding-DNA position 1576, G replaced by C.
Molecular consequence: splice acceptor variant.
Genome position (GRCh38, 1-based): chr11:46,672,254, G>C. VCF-style: chr11-46672254-G-C. GRCh37 (hg19) VCF-style: chr11-46693804-G-C.
Other names: c.1477-1G>C (NM_001346319.2, NM_001346328.2, NM_001346320.2 and 13 more transcripts); c.1576-1G>C (NM_001346315.2, NM_001346314.2, NM_001346312.2 and 3 more transcripts); c.1450-1G>C (NM_001346333.2, NM_001346336.2, NM_001346335.2 and 2 more transcripts); c.1366-1G>C (NM_001346350.2, NM_001346348.2, NM_001346344.2 and 9 more transcripts); c.892-1G>C (NM_001346357.2, NM_001346358.2, NM_001346359.2); c.1435-1G>C (NM_001346338.2, NM_001346340.2); c.1324-1G>C (NM_001346355.2, NM_001346356.2); c.1549-1G>C (NM_001346317.2, NM_001346318.2); and 2 more.
Identifiers: ClinVar variation 161571 (VCV000161571.2), dbSNP rs193920809, ClinGen allele CA174370.